The following is an entry in ClinVar:

NM_003476.5(CSRP3):c.334G>C (p.Ala112Pro)

Gene: CSRP3 (cysteine and glycine rich protein 3; minus strand). Cytogenetic location: 11p15.1.
Variant type: single nucleotide variant.
Coding change: c.334G>C on transcript NM_003476.5 (MANE Select); coding-DNA position 334, G replaced by C.
Protein change: p.Ala112Pro; replaces alanine 112 with proline.
Molecular consequence: missense variant. On other transcripts: synonymous variant (1).
Genome position (GRCh38, 1-based): chr11:19,186,296, C>G on the plus strand (G>C on the coding strand, the complement: CSRP3 is on the minus strand). VCF-style: chr11-19186296-C-G. GRCh37 (hg19) VCF-style: chr11-19207843-C-G.
Other names: c.165G>C, p.Leu55= (NM_001369404.1); short protein forms A112P.
Identifiers: ClinVar variation 179500 (VCV000179500.6), dbSNP rs727504905, ClinGen allele CA184547.

ClinVar aggregate classification (germline): Conflicting classifications of pathogenicity. Review status: criteria provided, conflicting classifications (1 of 4 stars). 2 submissions from 2 submitters: Uncertain significance (1); Likely benign (1). Last evaluated 2022-02-04.

Conditions:
Cardiovascular phenotype. Identifiers: MedGen CN230736.

Allele frequency attached by ClinVar (database versions not stated): gnomAD exomes below 0.00001.
gnomAD v4.1: 1 of 1,614,182 alleles (0.000062%); highest among the groups gnomAD compares: Non-Finnish European, 0.000085%; no homozygotes.

Submissions (2):

Ambry Genetics
Classification: Uncertain significance for Cardiovascular phenotype. Last evaluated: 2022-02-04. Review status: criteria provided, single submitter. Criteria: Ambry Variant Classification Scheme 2023. Collection method: clinical testing. Allele origin: germline.
Comment: The p.A112P variant (also known as c.334G>C), located in coding exon 3 of the CSRP3 gene, results from a G to C substitution at nucleotide position 334. The alanine at codon 112 is replaced by proline, an amino acid with highly similar properties. This amino acid position is conserved. In addition, this alteration is predicted to be tolerated by in silico analysis. Since supporting evidence is limited at this time, the clinical significance of this alteration remains unclear.

Laboratory for Molecular Medicine, Mass General Brigham Personalized Medicine
Classification: Likely benign. Last evaluated: 2014-01-14. Review status: criteria provided, single submitter. Criteria: LMM Criteria. Collection method: clinical testing. Allele origin: germline. Observed: 1 variant allele.
Comment: Ala112Pro in exon 4 of CSRP3: This variant is not expected to have clinical sign ificance due to a lack of conservation across species, including mammals. Of not e, opposum, tasmanian devil, platypus, and wallaby have a proline (Pro) at this position despite high nearby amino acid conservation. In addition, computational analyses (AlignGVGD, PolyPhen2, SIFT) do not suggest a high likelihood of impac t to the protein. Ala112Pro in exon 4 of CSRP3 (allele frequency = n/a)